The following is an entry in ClinVar:

ClinVar aggregate classification (germline): Pathogenic. Review status: reviewed by expert panel (3 of 4 stars). 7 submissions from 7 submitters: Pathogenic (1). 6 of the submissions do not count toward it. Last evaluated 2025-09-30.

Conditions:
RMRP-related disorder. Also called: RMRP-related condition.
Anauxetic dysplasia. Identifiers: Orphanet 93347, MedGen C1846796, MONDO:0011773.
Metaphyseal dysplasia without hypotrichosis. Also called: Metaphyseal Dysplasia without Hypotrichosis (MDWH); CARTILAGE-HAIR HYPOPLASIA VARIANT, SKELETAL MANIFESTATIONS ONLY; CARTILAGE-HAIR HYPOPLASIA-LIKE SKELETAL DYSPLASIA WITHOUT HYPOTRICHOSIS OR IMMUNODEFICIENCY. Identifiers: MedGen C1834821, MONDO:0009601, OMIM 250460.
Metaphyseal chondrodysplasia, McKusick type (CHH). Also called: Cartilage-Hair Hypoplasia (CHH); Cartilage-hair hypoplasia. Identifiers: Orphanet 175, MedGen C0220748, MONDO:0009595, OMIM 250250.
Anauxetic dysplasia 1 (ANXD1). Also called: Anauxetic Dysplasia (AD). Identifiers: Orphanet 93347, MedGen C4551965, MONDO:0054560, OMIM 607095.

Allele frequency attached by ClinVar (database versions not stated): gnomAD 0.00006.
gnomAD v4.1: 26 of 685,554 alleles (0.0038%); no homozygotes.

Submissions (7):

ClinGen Severe Combined Immunodeficiency Variant Curation Expert Panel, ClinGen
Classification: Pathogenic for Metaphyseal chondrodysplasia, McKusick type. Last evaluated: 2025-09-30. Review status: reviewed by expert panel. Criteria: ClinGen SCID ACMG Specifications RMRP V1.2.0. Collection method: curation. Allele origin: germline. Inheritance: Autosomal recessive inheritance.
Comment: This variant is present in gnomAD v.4 at a Total allele frequency of 0.00003793, which is lower than the PM2_supporting threshold 0.0000447. while in the subgroup Finnish European, the allele frequency is 0.000552 [24/43478], which is higher than the threshold of 0.0000447. Therefore, the PM2_supporting was not met. At least one patient presented Methapyseal dysplasia (+1.0 points) and hypotrichosis (+0.5 points)(1.5 points, PP4, PMID: 11207361). This variant is reported in trans with the variant (70A>g) in 6 independent families (+1.0 points each), reaching a total score of 6.0, and PM3_VeryStrong is met (PMID: 11207361). A multiple-case family with this variant in trans with n.70A>C is reported with two affected siblings, meeting PP1 (PMID: 11207361). In summary, this variant meets the criteria to be classified as Pathogenic for Autosomal recessive Cartilage Hair Hypoplasia based on the ACMG/AMP criteria applied, as specified by the ClinGen SCID VCEP: PM3_VeryStrong, PP4, and PP1 (VCEP specifications version 1).

Natera, Inc.
Classification: Pathogenic for Cartilage-hair hypoplasia. Last evaluated: 2025-06-05. Review status: criteria provided, single submitter. Criteria: Natera Variant Classification Schema (03/2026). Collection method: clinical testing. Allele origin: germline. Not counted in ClinVar's aggregate classification.
Comment: The n.263G>T variant in RMRP is characterized as a single nucleotide variant (SNV). This variant is rare in the general population with a frequency below the threshold expected for the associated phenotype(s). This variant has been observed in one or more individuals affected with the associated recessive disease, as either homozygous or compound heterozygous with a second variant (PMID: 12107819). Given the available evidence, this variant is classified as Pathogenic.

Labcorp Genetics (formerly Invitae), Labcorp
Classification: Pathogenic for Anauxetic dysplasia. Last evaluated: 2024-01-20. Review status: criteria provided, single submitter. Criteria: Invitae Variant Classification Sherloc (09022015). Collection method: clinical testing. Allele origin: germline. Not counted in ClinVar's aggregate classification.
Comment: This variant occurs in the RMRP gene, which encodes an RNA molecule that does not result in a protein product. The frequency data for this variant in the population databases is considered unreliable, as metrics indicate poor data quality at this position in the gnomAD database. This variant has been observed in individual(s) with cartilage-hair hypoplasia (PMID: 11207361). In at least one individual the data is consistent with being in trans (on the opposite chromosome) from a pathogenic variant. It has also been observed to segregate with disease in related individuals. This variant is also known as 262G>T. ClinVar contains an entry for this variant (Variation ID: 14209). For these reasons, this variant has been classified as Pathogenic.

Blueprint Genetics
Classification: Pathogenic for RMRP-related disorders. Last evaluated: 2023-07-13. Review status: criteria provided, single submitter. Criteria: ACMG Guidelines, 2015. Collection method: clinical testing. Allele origin: germline. Affected: yes. Observed: 5 variant alleles. Not counted in ClinVar's aggregate classification.

Fulgent Genetics
Classification: Pathogenic for Metaphyseal chondrodysplasia, McKusick type; Metaphyseal dysplasia without hypotrichosis; Anauxetic dysplasia 1. Last evaluated: 2022-01-13. Review status: criteria provided, single submitter. Criteria: ACMG Guidelines, 2015. Collection method: clinical testing. Allele origin: unknown. Not counted in ClinVar's aggregate classification.

Counsyl
Classification: Pathogenic for Metaphyseal chondrodysplasia, McKusick type. Last evaluated: 2017-11-15. Review status: no assertion criteria provided. Collection method: clinical testing. Allele origin: unknown. Not counted in ClinVar's aggregate classification.

OMIM
Classification: Pathogenic for CARTILAGE-HAIR HYPOPLASIA. Last evaluated: 2001-01-26. Review status: no assertion criteria provided. Collection method: literature only. Allele origin: germline. Not counted in ClinVar's aggregate classification.

Literature cited by the submitters: PubMed 12107819 (cited by Natera, Inc. and Counsyl); PubMed 11207361 (cited by Labcorp Genetics (formerly Invitae), Labcorp and OMIM).

NR_003051.4(RMRP):n.264G>T

Gene: RMRP (RNA component of mitochondrial RNA processing endoribonuclease; minus strand). Cytogenetic location: 9p13.3.
Variant type: single nucleotide variant.
Genome position: GRCh38 VCF-style: chr9-35657756-C-A. GRCh37 (hg19) VCF-style: chr9-35657753-C-A.
Other names: 262G-T.
Identifiers: ClinVar variation 14209 (VCV000014209.14), dbSNP rs727502774, ClinGen allele CA257181.